The following is an entry in ClinVar:

ClinVar aggregate classification (germline): Uncertain significance (1 of 4 stars; one submission).

Conditions:
Hereditary cancer-predisposing syndrome. Also called: Tumor predisposition; Neoplastic Syndromes, Hereditary; Hereditary Cancer Syndrome; Hereditary neoplastic syndrome. Identifiers: Orphanet 140162, MedGen C0027672, MeSH D009386, MONDO:0015356.

Submission:

Ambry Genetics
Classification: Uncertain significance for Hereditary cancer-predisposing syndrome. Last evaluated: 2025-03-05. Review status: criteria provided, single submitter. Criteria: Ambry Variant Classification Scheme 2023. Collection method: clinical testing. Allele origin: germline.
Comment: The p.H810Y variant (also known as c.2428C>T), located in coding exon 10 of the MET gene, results from a C to T substitution at nucleotide position 2428. The histidine at codon 810 is replaced by tyrosine, an amino acid with similar properties. This amino acid position is conserved. In addition, this alteration is predicted to be tolerated by in silico analysis. Based on the available evidence, the clinical significance of this variant remains unclear.

NM_000245.4(MET):c.2374C>T (p.His792Tyr)

Gene: MET (MET proto-oncogene, receptor tyrosine kinase; plus strand). Cytogenetic location: 7q31.2.
Variant type: single nucleotide variant.
Coding change: c.2374C>T on transcript NM_000245.4 (MANE Select); coding-DNA position 2374, C replaced by T.
Protein change: p.His792Tyr; replaces histidine 792 with tyrosine.
Molecular consequence: missense variant.
Genome position (GRCh38, 1-based): chr7:116,763,059, C>T. VCF-style: chr7-116763059-C-T. GRCh37 (hg19) VCF-style: chr7-116403113-C-T.
Other names: c.2428C>T, p.His810Tyr (NM_001127500.3); c.2374C>T, p.His792Tyr (NM_001324401.3); c.1084C>T, p.His362Tyr (NM_001324402.2); short protein forms H810Y, H792Y, H362Y.
Identifiers: ClinVar variation 3872401 (VCV003872401.1).